The following is an entry in ClinVar:

ClinVar aggregate classification (germline): Uncertain significance (1 of 4 stars; one submission).

gnomAD v4.1: 2 of 1,614,104 alleles (0.00012%); highest among the groups gnomAD compares: Non-Finnish European, 0.00017%; no homozygotes.

Submission:

Labcorp Genetics (formerly Invitae), Labcorp
Classification: Uncertain significance. Last evaluated: 2026-01-25. Review status: criteria provided, single submitter. Criteria: Invitae Variant Classification Sherloc (09022015). Collection method: clinical testing. Allele origin: germline.
Comment: This sequence change replaces tryptophan, which is neutral and slightly polar, with cysteine, which is neutral and slightly polar, at codon 63 of the BACH2 protein (p.Trp63Cys). This variant is not present in population databases (gnomAD no frequency). This variant has not been reported in the literature in individuals affected with BACH2-related conditions. Invitae Evidence Modeling of protein sequence and biophysical properties (such as structural, functional, and spatial information, amino acid conservation, physicochemical variation, residue mobility, and thermodynamic stability) indicates that this missense variant is not expected to disrupt BACH2 protein function with a negative predictive value of 80%. In summary, the available evidence is currently insufficient to determine the role of this variant in disease. Therefore, it has been classified as a Variant of Uncertain Significance.

NM_021813.4(BACH2):c.189G>T (p.Trp63Cys)

Gene: BACH2 (BACH transcriptional regulator 2; minus strand). Cytogenetic location: 6q15.
Variant type: single nucleotide variant.
Coding change: c.189G>T on transcript NM_021813.4 (MANE Select); coding-DNA position 189, G replaced by T.
Protein change: p.Trp63Cys; replaces tryptophan 63 with cysteine.
Molecular consequence: missense variant.
Genome position (GRCh38, 1-based): chr6:90,008,656, C>A on the plus strand (G>T on the coding strand, the complement: BACH2 is on the minus strand). VCF-style: chr6-90008656-C-A. GRCh37 (hg19) VCF-style: chr6-90718375-C-A.
Other names: c.189G>T, p.Trp63Cys (NM_001170794.2); short protein forms W63C.
Identifiers: ClinVar variation 4742718 (VCV004742718.1).